The following is an entry in ClinVar:

NM_003978.5(PSTPIP1):c.454G>C (p.Asp152His)

Gene: PSTPIP1 (proline-serine-threonine phosphatase interacting protein 1; plus strand). Cytogenetic location: 15q24.3.
Variant type: single nucleotide variant.
Coding change: c.454G>C on transcript NM_003978.5 (MANE Select); coding-DNA position 454, G replaced by C.
Protein change: p.Asp152His; replaces aspartic acid 152 with histidine.
Molecular consequence: missense variant. On other transcripts: non-coding transcript variant (1).
Genome position (GRCh38, 1-based): chr15:77,028,590, G>C. VCF-style: chr15-77028590-G-C. GRCh37 (hg19) VCF-style: chr15-77320931-G-C.
Other names: c.454G>C, p.Asp152His (NM_001321135.2); c.427G>C, p.Asp143His (NM_001321136.2); c.649G>C, p.Asp217His (NM_001321137.1); short protein forms D152H, D143H, D217H.
Identifiers: ClinVar variation 534750 (VCV000534750.10), dbSNP rs375932577, ClinGen allele CA7675829.

ClinVar aggregate classification (germline): Uncertain significance (1 of 4 stars; one submission).

Conditions:
Pyogenic arthritis-pyoderma gangrenosum-acne syndrome (PAPA). Also called: FAMILIAL RECURRENT ARTHRITIS; PAPA SYNDROME. Identifiers: Orphanet 69126, MedGen C1858361, MONDO:0011462, OMIM 604416.

Allele frequency attached by ClinVar (database versions not stated): gnomAD exomes below 0.00001; gnomAD 0.00001; ExAC 0.00004; TOPMed 0.00005; ESP Exome Variant Server 0.00008.
gnomAD v4.1: 3 of 1,603,452 alleles (0.00019%); highest among the groups gnomAD compares: African/African-American, 0.004%; no homozygotes.

Submission:

Labcorp Genetics (formerly Invitae), Labcorp
Classification: Uncertain significance for Pyogenic arthritis-pyoderma gangrenosum-acne syndrome. Last evaluated: 2025-08-24. Review status: criteria provided, single submitter. Criteria: Invitae Variant Classification Sherloc (09022015). Collection method: clinical testing. Allele origin: germline.
Comment: This sequence change replaces aspartic acid, which is acidic and polar, with histidine, which is basic and polar, at codon 152 of the PSTPIP1 protein (p.Asp152His). The frequency data for this variant in the population databases is considered unreliable, as metrics indicate poor data quality at this position in the gnomAD database. This variant has not been reported in the literature in individuals affected with PSTPIP1-related conditions. ClinVar contains an entry for this variant (Variation ID: 534750). Invitae Evidence Modeling of protein sequence and biophysical properties (such as structural, functional, and spatial information, amino acid conservation, physicochemical variation, residue mobility, and thermodynamic stability) has been performed for this missense variant. However, the output from this modeling did not meet the statistical confidence thresholds required to predict the impact of this variant on PSTPIP1 protein function. In summary, the available evidence is currently insufficient to determine the role of this variant in disease. Therefore, it has been classified as a Variant of Uncertain Significance.